The following is an entry in ClinVar:

ClinVar aggregate classification (germline): Uncertain significance (1 of 4 stars; one submission).

Submission:

Labcorp Genetics (formerly Invitae), Labcorp
Classification: Uncertain significance. Last evaluated: 2024-01-06. Review status: criteria provided, single submitter. Criteria: Invitae Variant Classification Sherloc (09022015). Collection method: clinical testing. Allele origin: germline.
Comment: This sequence change replaces methionine, which is neutral and non-polar, with leucine, which is neutral and non-polar, at codon 166 of the TAF1 protein (p.Met166Leu). This variant is not present in population databases (gnomAD no frequency). This variant has not been reported in the literature in individuals affected with TAF1-related conditions. Algorithms developed to predict the effect of missense changes on protein structure and function output the following: SIFT: "Not Available"; PolyPhen-2: "Benign"; Align-GVGD: "Not Available". The leucine amino acid residue is found in multiple mammalian species, which suggests that this missense change does not adversely affect protein function. In summary, the available evidence is currently insufficient to determine the role of this variant in disease. Therefore, it has been classified as a Variant of Uncertain Significance.

NM_004606.5(TAF1):c.436A>C (p.Met146Leu)

Gene: TAF1 (TATA-box binding protein associated factor 1; plus strand). Cytogenetic location: Xq13.1.
Variant type: single nucleotide variant.
Coding change: c.436A>C on transcript NM_004606.5 (MANE Select); coding-DNA position 436, A replaced by C.
Protein change: p.Met146Leu; replaces methionine 146 with leucine.
Molecular consequence: missense variant. On other transcripts: non-coding transcript variant (9).
Genome position (GRCh38, 1-based): chrX:71,375,250, A>C. VCF-style: chrX-71375250-A-C. GRCh37 (hg19) VCF-style: chrX-70595100-A-C.
Other names: c.436A>C, p.Met146Leu (NM_001286074.2, NM_138923.4); short protein forms M146L.
Identifiers: ClinVar variation 2707966 (VCV002707966.3), dbSNP rs756091767, ClinGen allele CA413503726.